The following is an entry in ClinVar:

ClinVar aggregate classification (germline): Likely benign (1 of 4 stars; one submission).

Allele frequency attached by ClinVar (database versions not stated): gnomAD 0.00097; TOPMed 0.00106; ESP Exome Variant Server 0.00115; ExAC 0.00119.
gnomAD v4.1: 1,541 of 1,613,742 alleles (0.095%); highest among the groups gnomAD compares: Middle Eastern, 0.13%; 13 homozygotes.

Submission:

CeGaT Center for Human Genetics Tuebingen
Classification: Likely benign. Last evaluated: 2023-02-01. Review status: criteria provided, single submitter. Criteria: CeGaT Center For Human Genetics Tuebingen Variant Classification Criteria Version 2. Collection method: clinical testing. Allele origin: germline. Affected: yes. Observed: 4 variant alleles.
Comment: FLG: BP4, BP7

NM_002016.2(FLG):c.2688A>C (p.Thr896=)

Genes: CCDST (cervical cancer associated DHX9 suppressive transcript; plus strand), FLG (filaggrin; minus strand). Cytogenetic location: 1q21.3.
Variant type: single nucleotide variant.
Coding change: c.2688A>C on transcript NM_002016.2 (MANE Select); coding-DNA position 2688, A replaced by C.
Protein change: p.Thr896=; no amino-acid change (threonine 896 retained).
Molecular consequence: synonymous variant.
Genome position (GRCh38, 1-based): chr1:152,312,198, T>G on the plus strand (A>C on the coding strand, the complement: FLG is on the minus strand). VCF-style: chr1-152312198-T-G. GRCh37 (hg19) VCF-style: chr1-152284674-T-G.
Identifiers: ClinVar variation 2639309 (VCV002639309.24), dbSNP rs149180565, ClinGen allele CA1107053.